The following is an entry in ClinVar:

NM_001267550.2(TTN):c.273T>C (p.Ser91=)

Gene: TTN (titin; minus strand). Cytogenetic location: 2q31.2.
Variant type: single nucleotide variant.
Coding change: c.273T>C on transcript NM_001267550.2 (MANE Select); coding-DNA position 273, T replaced by C.
Protein change: p.Ser91=; no amino-acid change (serine 91 retained).
Molecular consequence: synonymous variant.
Genome position (GRCh38, 1-based): chr2:178,802,160, A>G on the plus strand (T>C on the coding strand, the complement: TTN is on the minus strand). VCF-style: chr2-178802160-A-G. GRCh37 (hg19) VCF-style: chr2-179666887-A-G.
Other names: c.273T>C, p.Ser91= (NM_001256850.1, NM_003319.4, NM_133378.4 and 3 more transcripts).
Identifiers: ClinVar variation 2160271 (VCV002160271.7), dbSNP rs775573951, ClinGen allele CA2006377.

ClinVar aggregate classification (germline): Likely benign. Review status: criteria provided, multiple submitters, no conflicts (2 of 4 stars). 4 submissions from 4 submitters: Likely benign (4). Last evaluated 2025-09-30.

Conditions:
Cardiovascular phenotype. Identifiers: MedGen CN230736.
Dilated cardiomyopathy 1G (CMD1G). Identifiers: Orphanet 154, MedGen C1858763, MONDO:0011400, OMIM 604145.
Autosomal recessive limb-girdle muscular dystrophy type 2J (LGMDR10). Also called: MUSCULAR DYSTROPHY, LIMB-GIRDLE, AUTOSOMAL RECESSIVE 10; Limb-girdle muscular dystrophy, type 2J. Identifiers: Orphanet 140922, MedGen C1837342, MONDO:0012127, OMIM 608807.
TTN-related disorder. Also called: TTN-related disorders; TTN-related condition; TTN-related disease.

Allele frequency attached by ClinVar (database versions not stated): TOPMed 0.00001; ExAC 0.00002; gnomAD exomes 0.00002.
gnomAD v4.1: 10 of 1,614,094 alleles (0.00062%); highest among the groups gnomAD compares: Admixed American, 0.017%; no homozygotes.

Submissions (4):

Labcorp Genetics (formerly Invitae), Labcorp
Classification: Likely benign for Dilated cardiomyopathy 1G; Autosomal recessive limb-girdle muscular dystrophy type 2J. Last evaluated: 2025-09-30. Review status: criteria provided, single submitter. Criteria: Invitae Variant Classification Sherloc (09022015). Collection method: clinical testing. Allele origin: germline.

Women's Health and Genetics/Laboratory Corporation of America, LabCorp
Classification: Likely benign. Last evaluated: 2025-06-19. Review status: criteria provided, single submitter. Criteria: LabCorp Variant Classification Summary - May 2015. Collection method: clinical testing. Allele origin: germline.

PreventionGenetics, part of Exact Sciences
Classification: Likely benign for TTN-related condition. Last evaluated: 2025-04-30. Review status: criteria provided, single submitter. Criteria: ACMG Guidelines, 2015. Collection method: clinical testing. Allele origin: germline.
Comment: This variant is classified as likely benign based on ACMG/AMP sequence variant interpretation guidelines (Richards et al. 2015 PMID: 25741868, with internal and published modifications).

Ambry Genetics
Classification: Likely benign for Cardiovascular phenotype. Last evaluated: 2023-12-01. Review status: criteria provided, single submitter. Criteria: Ambry Variant Classification Scheme 2023. Collection method: clinical testing. Allele origin: germline.